The following is an entry in ClinVar:

NM_024548.4(CEP97):c.670G>A (p.Val224Ile)

Gene: CEP97 (centrosomal protein 97; plus strand). Cytogenetic location: 3q12.3.
Variant type: single nucleotide variant.
Coding change: c.670G>A on transcript NM_024548.4 (MANE Select); coding-DNA position 670, G replaced by A.
Protein change: p.Val224Ile; replaces valine 224 with isoleucine.
Molecular consequence: missense variant.
Genome position (GRCh38, 1-based): chr3:101,732,596, G>A. VCF-style: chr3-101732596-G-A. GRCh37 (hg19) VCF-style: chr3-101451440-G-A.
Other names: c.670G>A, p.Val224Ile (NM_001303401.2); c.568G>A, p.Val190Ile (NM_001410784.1, NM_001410785.1); short protein forms V190I, V224I.
Identifiers: ClinVar variation 3490972 (VCV003490972.3).

ClinVar aggregate classification (germline): Uncertain significance. Review status: criteria provided, multiple submitters, no conflicts (2 of 4 stars). 2 submissions from 2 submitters: Uncertain significance (2). Last evaluated 2024-09-11.

gnomAD v4.1: 58 of 1,614,020 alleles (0.0036%); highest among the groups gnomAD compares: South Asian, 0.051%; 1 homozygote.

Submissions (2):

Ambry Genetics
Classification: Uncertain significance. Last evaluated: 2024-09-11. Review status: criteria provided, single submitter. Criteria: Ambry Variant Classification Scheme 2023. Collection method: clinical testing. Allele origin: germline.

Labcorp Genetics (formerly Invitae), Labcorp
Classification: Uncertain significance. Last evaluated: 2024-06-28. Review status: criteria provided, single submitter. Criteria: Invitae Variant Classification Sherloc (09022015). Collection method: clinical testing. Allele origin: germline.
Comment: This sequence change replaces valine, which is neutral and non-polar, with isoleucine, which is neutral and non-polar, at codon 224 of the CEP97 protein (p.Val224Ile). This variant is present in population databases (rs532029679, gnomAD 0.03%). This variant has not been reported in the literature in individuals affected with CEP97-related conditions. Advanced modeling of protein sequence and biophysical properties (such as structural, functional, and spatial information, amino acid conservation, physicochemical variation, residue mobility, and thermodynamic stability) performed at Invitae indicates that this missense variant is not expected to disrupt CEP97 protein function with a negative predictive value of 80%. In summary, the available evidence is currently insufficient to determine the role of this variant in disease. Therefore, it has been classified as a Variant of Uncertain Significance.